The following is an entry in ClinVar:

ClinVar aggregate classification (germline): Uncertain significance. Review status: criteria provided, multiple submitters, no conflicts (2 of 4 stars). 2 submissions from 2 submitters: Uncertain significance (2). Last evaluated 2024-02-20.

Conditions:
RYR1-related disorder. Also called: RYR1-related condition; RYR1-related disorders. Identifiers: MedGen CN239331.

gnomAD v4.1: 7 of 1,573,216 alleles (0.00044%); highest among the groups gnomAD compares: Non-Finnish European, 0.00043%; no homozygotes.

Submissions (2):

Women's Health and Genetics/Laboratory Corporation of America, LabCorp
Classification: Uncertain significance. Last evaluated: 2024-02-20. Review status: criteria provided, single submitter. Criteria: LabCorp Variant Classification Summary - May 2015. Collection method: clinical testing. Allele origin: germline.
Comment: Variant summary: RYR1 c.4861G>A (p.Glu1621Lys) results in a conservative amino acid change in the encoded protein sequence. Four of five in-silico tools predict a damaging effect of the variant on protein function. The variant was absent in 184464 control chromosomes (gnomAD). The available data on variant occurrences in the general population are insufficient to allow any conclusion about variant significance. To our knowledge, c.4861G>A has not been reported in the literature in individuals affected with Myopathy, RYR1-Associated. The following publication has been ascertained in the context of this evaluation (PMID: 30930780). ClinVar contains an entry for this variant (Variation ID: 1438275). Based on the evidence outlined above, the variant was classified as uncertain significance.

Labcorp Genetics (formerly Invitae), Labcorp
Classification: Uncertain significance for RYR1-related disorder. Last evaluated: 2023-06-21. Review status: criteria provided, single submitter. Criteria: Invitae Variant Classification Sherloc (09022015). Collection method: clinical testing. Allele origin: germline.
Comment: In summary, the available evidence is currently insufficient to determine the role of this variant in disease. Therefore, it has been classified as a Variant of Uncertain Significance. Advanced modeling of protein sequence and biophysical properties (such as structural, functional, and spatial information, amino acid conservation, physicochemical variation, residue mobility, and thermodynamic stability) has been performed at Invitae for this missense variant, however the output from this modeling did not meet the statistical confidence thresholds required to predict the impact of this variant on RYR1 protein function. ClinVar contains an entry for this variant (Variation ID: 1438275). This variant has not been reported in the literature in individuals affected with RYR1-related conditions. This variant is not present in population databases (gnomAD no frequency). This sequence change replaces glutamic acid, which is acidic and polar, with lysine, which is basic and polar, at codon 1621 of the RYR1 protein (p.Glu1621Lys).

Literature cited by the submitters: PubMed 30930780 (cited by Women's Health and Genetics/Laboratory Corporation of America, LabCorp).

NM_000540.3(RYR1):c.4861G>A (p.Glu1621Lys)

Gene: RYR1 (ryanodine receptor 1; plus strand). Cytogenetic location: 19q13.2.
Variant type: single nucleotide variant.
Coding change: c.4861G>A on transcript NM_000540.3 (MANE Select); coding-DNA position 4861, G replaced by A.
Protein change: p.Glu1621Lys; replaces glutamic acid 1621 with lysine.
Molecular consequence: missense variant.
Genome position (GRCh38, 1-based): chr19:38,483,443, G>A. VCF-style: chr19-38483443-G-A. GRCh37 (hg19) VCF-style: chr19-38974083-G-A.
Other names: c.4861G>A, p.Glu1621Lys (NM_001042723.2); short protein forms E1621K.
Identifiers: ClinVar variation 1438275 (VCV001438275.10), dbSNP rs1398897130, ClinGen allele CA081646.